The following is an entry in ClinVar:

ClinVar aggregate classification (germline): Conflicting classifications of pathogenicity. Review status: criteria provided, conflicting classifications (1 of 4 stars). 5 submissions from 5 submitters: Uncertain significance (1); Likely benign (4). Last evaluated 2026-01-13.

Allele frequency attached by ClinVar (database versions not stated): ExAC 0.00023; gnomAD 0.00034 and 0.00035; TOPMed 0.00035; ESP Exome Variant Server 0.00038.

Submissions (5):

Labcorp Genetics (formerly Invitae), Labcorp
Classification: Likely benign. Last evaluated: 2026-01-13. Review status: criteria provided, single submitter. Criteria: Invitae Variant Classification Sherloc (09022015). Collection method: clinical testing. Allele origin: germline.

GeneDx
Classification: Uncertain significance. Last evaluated: 2025-09-25. Review status: criteria provided, single submitter. Criteria: GeneDx Variant Classification Process June 2021. Collection method: clinical testing. Allele origin: germline. Affected: yes.
Comment: Has not been previously published as pathogenic or benign to our knowledge; In silico analysis suggests this variant may impact gene splicing. In the absence of RNA/functional studies, the actual effect of this sequence change is unknown.

Blueprint Genetics
Classification: Likely benign. Last evaluated: 2024-11-20. Review status: criteria provided, single submitter. Criteria: ACMG Guidelines, 2015. Collection method: clinical testing. Allele origin: germline.

Women's Health and Genetics/Laboratory Corporation of America, LabCorp
Classification: Likely benign. Last evaluated: 2024-01-04. Review status: criteria provided, single submitter. Criteria: LabCorp Variant Classification Summary - May 2015. Collection method: clinical testing. Allele origin: germline.

CeGaT Center for Human Genetics Tuebingen
Classification: Likely benign. Last evaluated: 2021-06-01. Review status: criteria provided, single submitter. Criteria: CeGaT Center For Human Genetics Tuebingen Variant Classification Criteria Version 2. Collection method: clinical testing. Allele origin: germline. Affected: yes. Observed: 1 variant allele.

NM_004092.4(ECHS1):c.519G>A (p.Ala173=)

Gene: ECHS1 (enoyl-CoA hydratase, short chain 1; minus strand). Cytogenetic location: 10q26.3.
Variant type: single nucleotide variant.
Coding change: c.519G>A on transcript NM_004092.4 (MANE Select); coding-DNA position 519, G replaced by A.
Protein change: p.Ala173=; no amino-acid change (alanine 173 retained).
Molecular consequence: synonymous variant.
Genome position (GRCh38, 1-based): chr10:133,366,989, C>T on the plus strand (G>A on the coding strand, the complement: ECHS1 is on the minus strand). VCF-style: chr10-133366989-C-T. GRCh37 (hg19) VCF-style: chr10-135180493-C-T.
Identifiers: ClinVar variation 506333 (VCV000506333.48), dbSNP rs140262395, ClinGen allele CA5765732.